The following is an entry in ClinVar:

ClinVar aggregate classification (germline): Uncertain significance (1 of 4 stars; one submission).

Conditions:
Hyper-IgE recurrent infection syndrome 1, autosomal dominant. Also called: JOB SYNDROME; STAT3 Hyper IgE Syndrome; HYPER-IgE SYNDROME 1, AUTOSOMAL DOMINANT, WITH RECURRENT INFECTIONS; Hyper-IgE recurrent infection syndrome 1; Job's Syndrome. Identifiers: Orphanet 2314, MedGen C2936739, MONDO:0007818, OMIM 147060.
STAT3 gain of function. Identifiers: MedGen C4288261.

Allele frequency attached by ClinVar (database versions not stated): ExAC 0.00004; gnomAD exomes 0.00001 and 0.00002; gnomAD 0.00002; TOPMed 0.00002.
gnomAD v4.1: 19 of 1,610,750 alleles (0.0012%); highest among the groups gnomAD compares: Admixed American, 0.01%; no homozygotes.

Submission:

Labcorp Genetics (formerly Invitae), Labcorp
Classification: Uncertain significance for STAT3 gain of function; Hyper-IgE recurrent infection syndrome 1, autosomal dominant. Last evaluated: 2026-02-02. Review status: criteria provided, single submitter. Criteria: Invitae Variant Classification Sherloc (09022015). Collection method: clinical testing. Allele origin: germline.
Comment: This sequence change falls in intron 17 of the STAT3 gene. It does not directly change the encoded amino acid sequence of the STAT3 protein. It affects a nucleotide within the consensus splice site. This variant is present in population databases (rs773000843, gnomAD 0.007%). This variant has not been reported in the literature in individuals affected with STAT3-related conditions. ClinVar contains an entry for this variant (Variation ID: 1426675). Variants that disrupt the consensus splice site are a relatively common cause of aberrant splicing (PMID: 17576681, 9536098). Algorithms developed to predict the effect of sequence changes on RNA splicing suggest that this variant is not likely to affect RNA splicing. In summary, the available evidence is currently insufficient to determine the role of this variant in disease. Therefore, it has been classified as a Variant of Uncertain Significance.

Literature cited by the submitters: PubMed 17576681; PubMed 9536098.

NM_139276.3(STAT3):c.1600+4C>T

Gene: STAT3 (signal transducer and activator of transcription 3; minus strand). Cytogenetic location: 17q21.2.
Variant type: single nucleotide variant.
Coding change: c.1600+4C>T on transcript NM_139276.3 (MANE Select); 4 bases into the intron after coding-DNA position 1600, C replaced by T.
Molecular consequence: intron variant.
Genome position (GRCh38, 1-based): chr17:42,324,707, G>A on the plus strand (C>T on the coding strand, the complement: STAT3 is on the minus strand). VCF-style: chr17-42324707-G-A. GRCh37 (hg19) VCF-style: chr17-40476725-G-A.
Other names: c.1504+4C>T (NM_001384989.1); c.1540+4C>T (NM_001384992.1); c.1516+4C>T (NM_001384984.1); c.1600+4C>T (NM_001369519.1, NM_003150.4, NM_001369517.1 and 10 more transcripts); c.1522+4C>T (NM_001384985.1); c.1579+4C>T (NM_001384987.1); c.1615+4C>T (NM_001384986.1, NM_001384990.1).
Identifiers: ClinVar variation 1426675 (VCV001426675.6), dbSNP rs773000843, ClinGen allele CA8575291.